The following is an entry in ClinVar:

ClinVar aggregate classification (germline): Uncertain significance (1 of 4 stars; one submission).

Conditions:
Familial thoracic aortic aneurysm and aortic dissection (TAAD). Also called: Thoracic aortic aneurysms and dissections. Identifiers: Orphanet 91387, MedGen C4707243, MONDO:0019625.
Marfan syndrome (MFS). Also called: MARFAN SYNDROME, TYPE I; Marfan syndrome type 1; Marfan's syndrome; Marfan syndrome, classic; FBN1-Related Marfan Syndrome. Identifiers: Orphanet 284963, Orphanet 558, MedGen C0024796, MONDO:0007947, OMIM 154700.

Submission:

Labcorp Genetics (formerly Invitae), Labcorp
Classification: Uncertain significance for Marfan syndrome; Familial thoracic aortic aneurysm and aortic dissection. Last evaluated: 2022-05-26. Review status: criteria provided, single submitter. Criteria: Invitae Variant Classification Sherloc (09022015). Collection method: clinical testing. Allele origin: germline.
Comment: In summary, the available evidence is currently insufficient to determine the role of this variant in disease. Therefore, it has been classified as a Variant of Uncertain Significance. Advanced modeling of protein sequence and biophysical properties (such as structural, functional, and spatial information, amino acid conservation, physicochemical variation, residue mobility, and thermodynamic stability) performed at Invitae indicates that this missense variant is expected to disrupt FBN1 protein function. This missense change has been observed in individual(s) with clinical features of Marfan syndrome (Invitae). This variant is not present in population databases (gnomAD no frequency). This sequence change replaces glycine, which is neutral and non-polar, with valine, which is neutral and non-polar, at codon 2825 of the FBN1 protein (p.Gly2825Val).

NM_000138.5(FBN1):c.8474G>T (p.Gly2825Val)

Gene: FBN1 (fibrillin 1; minus strand). Cytogenetic location: 15q21.1.
Variant type: single nucleotide variant.
Coding change: c.8474G>T on transcript NM_000138.5 (MANE Select); coding-DNA position 8474, G replaced by T.
Protein change: p.Gly2825Val; replaces glycine 2825 with valine.
Molecular consequence: missense variant.
Genome position (GRCh38, 1-based): chr15:48,411,132, C>A on the plus strand (G>T on the coding strand, the complement: FBN1 is on the minus strand). VCF-style: chr15-48411132-C-A. GRCh37 (hg19) VCF-style: chr15-48703329-C-A.
Other names: c.8474G>T, p.Gly2825Val (NM_001406716.1); short protein forms G2825V.
Identifiers: ClinVar variation 1999135 (VCV001999135.4), dbSNP rs1597506692, ClinGen allele CA392318882.
Genomic context (GRCh38, chr15:48,411,132, plus strand): 5'-AGTTGGTTAAGTTCTTTCTTTTTATAAAGTGGAGTACTACTGATTTGTAATGAATAGGTT[C>A]CAGCCACTGGCTTCTTCTTTGTGAAGTGGAGGTAGCTGATCCCTTCCTTTTGGTTGATTT-3'
Protein context (NP_000129.3, residues 2815-2835): LHFTKKKPVA[Gly2825Val]TYSLQISSTP